The following is an entry in ClinVar:

NM_020800.3(IFT80):c.178A>G (p.Ile60Val)

Genes: IFT80 (intraflagellar transport 80; minus strand), TRIM59-IFT80 (TRIM59-IFT80 readthrough (NMD candidate); minus strand). Cytogenetic location: 3q25.33.
Variant type: single nucleotide variant.
Coding change: c.178A>G on transcript NM_020800.3 (MANE Select); coding-DNA position 178, A replaced by G.
Protein change: p.Ile60Val; replaces isoleucine 60 with valine.
Molecular consequence: missense variant. On other transcripts: non-coding transcript variant (2), 5 prime UTR variant (2).
Genome position (GRCh38, 1-based): chr3:160,381,584, T>C on the plus strand (A>G on the coding strand, the complement: IFT80 is on the minus strand). VCF-style: chr3-160381584-T-C. GRCh37 (hg19) VCF-style: chr3-160099372-T-C.
Other names: c.-234A>G (NM_001190241.2, NM_001190242.2); short protein forms I60V.
Identifiers: ClinVar variation 1409243 (VCV001409243.5), dbSNP rs780018349, ClinGen allele CA2685567.

ClinVar aggregate classification (germline): Uncertain significance (1 of 4 stars; one submission).

Conditions:
Jeune thoracic dystrophy. Also called: Short-rib thoracic dysplasia; Infantile thoracic dystrophy; Thoracic pelvic phalangeal dystrophy; Jeune's syndrome; Chondroectodermal dysplasia-like syndrome; Jeune syndrome. Identifiers: Orphanet 474, MedGen C0265275, MONDO:0018770.

Allele frequency attached by ClinVar (database versions not stated): gnomAD exomes below 0.00001 and 0.00001; ExAC 0.00001; gnomAD 0.00001; TOPMed 0.00001.
gnomAD v4.1: 9 of 1,613,602 alleles (0.00056%); highest among the groups gnomAD compares: Admixed American, 0.0017%; no homozygotes.

Submission:

Labcorp Genetics (formerly Invitae), Labcorp
Classification: Uncertain significance for Jeune thoracic dystrophy. Last evaluated: 2022-02-02. Review status: criteria provided, single submitter. Criteria: Invitae Variant Classification Sherloc (09022015). Collection method: clinical testing. Allele origin: germline.
Comment: This sequence change replaces isoleucine, which is neutral and non-polar, with valine, which is neutral and non-polar, at codon 60 of the IFT80 protein (p.Ile60Val). This variant is present in population databases (rs780018349, gnomAD 0.003%). This variant has not been reported in the literature in individuals affected with IFT80-related conditions. Algorithms developed to predict the effect of missense changes on protein structure and function (SIFT, PolyPhen-2, Align-GVGD) all suggest that this variant is likely to be tolerated. In summary, the available evidence is currently insufficient to determine the role of this variant in disease. Therefore, it has been classified as a Variant of Uncertain Significance.